The following is an entry in ClinVar:

NM_001303052.2(MYT1L):c.3080+1360A>G

Gene: MYT1L (myelin transcription factor 1 like; minus strand). Cytogenetic location: 2p25.3.
Variant type: single nucleotide variant.
Coding change: c.3080+1360A>G on transcript NM_001303052.2 (MANE Select); 1360 bases into the intron after coding-DNA position 3080, A replaced by G.
Molecular consequence: intron variant.
Genome position (GRCh38, 1-based): chr2:1,837,789, T>C on the plus strand (A>G on the coding strand, the complement: MYT1L is on the minus strand). VCF-style: chr2-1837789-T-C. GRCh37 (hg19) VCF-style: chr2-1841561-T-C.
Other names: c.3074+1360A>G (NM_015025.4, NM_001329847.2, NM_001329848.1 and 3 more transcripts); c.3080+1360A>G (NM_001329844.2, NM_001329845.1, NM_001329851.3).
Identifiers: ClinVar variation 3026245 (VCV003026245.22), dbSNP rs901748431, ClinGen allele CA41398621.

ClinVar aggregate classification (germline): Likely benign (1 of 4 stars; one submission).

Allele frequency attached by ClinVar (database versions not stated): gnomAD 0.00003; TOPMed 0.00005.
gnomAD v4.1: 5 of 151,912 alleles (0.0033%); highest among the groups gnomAD compares: Non-Finnish European, 0.0074%; no homozygotes.

Submission:

CeGaT Center for Human Genetics Tuebingen
Classification: Likely benign. Last evaluated: 2024-02-01. Review status: criteria provided, single submitter. Criteria: CeGaT Center For Human Genetics Tuebingen Variant Classification Criteria Version 2. Collection method: clinical testing. Allele origin: germline. Affected: yes. Observed: 1 variant allele.
Comment: MYT1L: BP4, BP7